The following is an entry in ClinVar:

NM_153676.4(USH1C):c.1480del (p.Cys494fs)

Gene: USH1C (USH1 protein network component harmonin; minus strand). Cytogenetic location: 11p15.1.
Variant type: Deletion.
Coding change: c.1480del on transcript NM_153676.4 (MANE Select); coding-DNA position 1480, one base deleted (T; older notation c.1480delT).
Protein change: p.Cys494fs; shifts the reading frame from cysteine 494.
Molecular consequence: frameshift variant. On other transcripts: intron variant (11).
Genome position (GRCh38, 1-based): chr11:17,510,455, A deleted on the plus strand (T on the coding strand, the reverse complement: USH1C is on the minus strand). VCF-style (leftmost placement, unchanged base first): chr11-17510454-CA-C. GRCh37 (hg19) VCF-style: chr11-17532001-CA-C.
Other names: c.1227+6946del (NM_001297764.2); c.1210+10415del (NM_001440687.1); c.1413+1447del (NM_001440681.1); c.1284+6946del (NM_001440685.1, NM_005709.4, NM_001440682.1); c.1285-5758del (NM_001440683.1); c.1437+1447del (NM_001440680.1); c.1260+6946del (NM_001440686.1); c.1317+6946del (NM_001440684.1); and 1 more; short protein forms C494fs.
Identifiers: ClinVar variation 5007833 (VCV005007833.2).

ClinVar aggregate classification (germline): Likely pathogenic (1 of 4 stars; one submission).

Conditions:
Autosomal recessive nonsyndromic hearing loss 18A. Also called: Deafness, autosomal recessive 18A; DEAFNESS, AUTOSOMAL RECESSIVE 18. Identifiers: Orphanet 90636, MedGen C1865870, MONDO:0011192, OMIM 602092.
Usher syndrome type 1C. Also called: USHER SYNDROME, TYPE I, ACADIAN VARIETY. Identifiers: Orphanet 231169, Orphanet 886, MedGen C1848604, MONDO:0010171, OMIM 276904.

Submission:

Juno Genomics, Hangzhou Juno Genomics, Inc
Classification: Likely pathogenic for Autosomal recessive nonsyndromic hearing loss 18A; Usher syndrome type 1C. Review status: criteria provided, single submitter. Criteria: ACMG Guidelines, 2015. Collection method: clinical testing. Allele origin: germline.
Comment: Null variant in a gene where loss of function (LOF) is a known mechanism of disease.;Absent from controls (or at extremely low frequency if recessive) in Genome Aggregation Database.